The following is an entry in ClinVar:

NM_001127208.3(TET2):c.202G>A (p.Gly68Arg)

Genes: TET2 (tet methylcytosine dioxygenase 2; plus strand), TET2-AS1 (TET2 antisense RNA 1; minus strand). Cytogenetic location: 4q24.
Variant type: single nucleotide variant.
Coding change: c.202G>A on transcript NM_001127208.3 (MANE Select); coding-DNA position 202, G replaced by A.
Protein change: p.Gly68Arg; replaces glycine 68 with arginine.
Molecular consequence: missense variant.
Genome position (GRCh38, 1-based): chr4:105,234,144, G>A. VCF-style: chr4-105234144-G-A. GRCh37 (hg19) VCF-style: chr4-106155301-G-A.
Other names: c.202G>A, p.Gly68Arg (NM_017628.4); short protein forms G68R.
Identifiers: ClinVar variation 3806050 (VCV003806050.1).

ClinVar aggregate classification (germline): Uncertain significance (1 of 4 stars; one submission).

Submission:

Ambry Genetics
Classification: Uncertain significance. Last evaluated: 2025-02-10. Review status: criteria provided, single submitter. Criteria: Ambry Variant Classification Scheme 2023. Collection method: clinical testing. Allele origin: germline.
Comment: The p.G68R variant (also known as c.202G>A), located in coding exon 1 of the TET2 gene, results from a G to A substitution at nucleotide position 202. The glycine at codon 68 is replaced by arginine, an amino acid with dissimilar properties. This amino acid position is conserved. In addition, this alteration is predicted to be tolerated by in silico analysis. Based on the available evidence, the clinical significance of this variant remains unclear.